The following is an entry in ClinVar:

ClinVar aggregate classification (germline): Uncertain significance (1 of 4 stars; one submission).

Conditions:
GLUT1 deficiency syndrome 1, autosomal recessive. Identifiers: MedGen C3149117.

Submission:

Labcorp Genetics (formerly Invitae), Labcorp
Classification: Uncertain significance for GLUT1 deficiency syndrome 1, autosomal recessive. Last evaluated: 2024-08-05. Review status: criteria provided, single submitter. Criteria: Invitae Variant Classification Sherloc (09022015). Collection method: clinical testing. Allele origin: germline.
Comment: This sequence change replaces aspartic acid, which is acidic and polar, with glycine, which is neutral and non-polar, at codon 184 of the SLC2A1 protein (p.Asp184Gly). This variant is not present in population databases (gnomAD no frequency). This variant has not been reported in the literature in individuals affected with SLC2A1-related conditions. Advanced modeling of protein sequence and biophysical properties (such as structural, functional, and spatial information, amino acid conservation, physicochemical variation, residue mobility, and thermodynamic stability) performed at Invitae indicates that this missense variant is not expected to disrupt SLC2A1 protein function with a negative predictive value of 95%. In summary, the available evidence is currently insufficient to determine the role of this variant in disease. Therefore, it has been classified as a Variant of Uncertain Significance.

NM_006516.4(SLC2A1):c.551A>G (p.Asp184Gly)

Gene: SLC2A1 (solute carrier family 2 member 1; minus strand). Cytogenetic location: 1p34.2.
Variant type: single nucleotide variant.
Coding change: c.551A>G on transcript NM_006516.4 (MANE Select); coding-DNA position 551, A replaced by G.
Protein change: p.Asp184Gly; replaces aspartic acid 184 with glycine.
Molecular consequence: missense variant.
Genome position (GRCh38, 1-based): chr1:42,930,001, T>C on the plus strand (A>G on the coding strand, the complement: SLC2A1 is on the minus strand). VCF-style: chr1-42930001-T-C. GRCh37 (hg19) VCF-style: chr1-43395672-T-C.
Other names: short protein forms D184G.
Identifiers: ClinVar variation 3633552 (VCV003633552.2).